The following is an entry in ClinVar:

NM_000944.5(PPP3CA):c.721A>C (p.Asn241His)

Gene: PPP3CA (protein phosphatase 3 catalytic subunit alpha; minus strand). Cytogenetic location: 4q24.
Variant type: single nucleotide variant.
Coding change: c.721A>C on transcript NM_000944.5 (MANE Select); coding-DNA position 721, A replaced by C.
Protein change: p.Asn241His; replaces asparagine 241 with histidine.
Molecular consequence: missense variant.
Genome position (GRCh38, 1-based): chr4:101,093,837, T>G on the plus strand (A>C on the coding strand, the complement: PPP3CA is on the minus strand). VCF-style: chr4-101093837-T-G. GRCh37 (hg19) VCF-style: chr4-102014994-T-G.
Other names: c.721A>C, p.Asn241His (NM_001130691.2, NM_001130692.2); short protein forms N241H.
Identifiers: ClinVar variation 1690705 (VCV001690705.2), dbSNP rs2110249839, ClinGen allele CA357949216.
Genomic context (GRCh38, chr4:101,093,837, plus strand): 5'-TGTAGAAGTATGAACACCCCCTGACTGTGTTGTGAGTGAAATGTTCCTGAGTCTTCTCAT[T>G]TCCAAAATCTTCCAGGGGGTCTGACCACAGGATATCACACATAGGTCCATATGCAGGTGG-3'
Protein context (NP_000935.1, residues 231-251): LWSDPLEDFG[Asn241His]EKTQEHFTHN

ClinVar aggregate classification (germline): Uncertain significance (1 of 4 stars; one submission).

Submission:

Laboratorio de Genetica e Diagnostico Molecular, Hospital Israelita Albert Einstein
Classification: Uncertain significance. Last evaluated: 2019-10-09. Review status: criteria provided, single submitter. Criteria: ACMG Guidelines, 2015. Collection method: clinical testing. Allele origin: germline. Affected: yes.
Comment: ACMG classification criteria: PM2